The following is an entry in ClinVar:

ClinVar aggregate classification (germline): Uncertain significance (1 of 4 stars; one submission).

Conditions:
Brugada syndrome 8 (BRGDA8). Identifiers: Orphanet 130, MedGen C2751083, MONDO:0013148, OMIM 613123.

Submission:

Labcorp Genetics (formerly Invitae), Labcorp
Classification: Uncertain significance for Brugada syndrome 8. Last evaluated: 2023-11-01. Review status: criteria provided, single submitter. Criteria: Invitae Variant Classification Sherloc (09022015). Collection method: clinical testing. Allele origin: germline.
Comment: This sequence change replaces arginine, which is basic and polar, with serine, which is neutral and polar, at codon 1036 of the HCN4 protein (p.Arg1036Ser). This variant is not present in population databases (gnomAD no frequency). This variant has not been reported in the literature in individuals affected with HCN4-related conditions. Advanced modeling of protein sequence and biophysical properties (such as structural, functional, and spatial information, amino acid conservation, physicochemical variation, residue mobility, and thermodynamic stability) performed at Invitae indicates that this missense variant is not expected to disrupt HCN4 protein function with a negative predictive value of 95%. In summary, the available evidence is currently insufficient to determine the role of this variant in disease. Therefore, it has been classified as a Variant of Uncertain Significance.

NM_005477.3(HCN4):c.3108A>T (p.Arg1036Ser)

Gene: HCN4 (hyperpolarization activated cyclic nucleotide gated potassium channel 4; minus strand). Cytogenetic location: 15q24.1.
Variant type: single nucleotide variant.
Coding change: c.3108A>T on transcript NM_005477.3 (MANE Select); coding-DNA position 3108, A replaced by T.
Protein change: p.Arg1036Ser; replaces arginine 1036 with serine.
Molecular consequence: missense variant.
Genome position (GRCh38, 1-based): chr15:73,322,985, T>A on the plus strand (A>T on the coding strand, the complement: HCN4 is on the minus strand). VCF-style: chr15-73322985-T-A. GRCh37 (hg19) VCF-style: chr15-73615326-T-A.
Other names: short protein forms R1036S.
Identifiers: ClinVar variation 2773159 (VCV002773159.3), dbSNP rs2549068233, ClinGen allele CA393086201.